The following is an entry in ClinVar:

NM_001365536.1(SCN9A):c.3259G>A (p.Val1087Met)

Genes: SCN1A-AS1 (SCN1A and SCN9A antisense RNA 1; plus strand), SCN9A (sodium voltage-gated channel alpha subunit 9; minus strand). Cytogenetic location: 2q24.3.
Variant type: single nucleotide variant.
Coding change: c.3259G>A on transcript NM_001365536.1 (MANE Select); coding-DNA position 3259, G replaced by A.
Protein change: p.Val1087Met; replaces valine 1087 with methionine.
Molecular consequence: missense variant.
Genome position (GRCh38, 1-based): chr2:166,272,491, C>T on the plus strand (G>A on the coding strand, the complement: SCN9A is on the minus strand). VCF-style: chr2-166272491-C-T. GRCh37 (hg19) VCF-style: chr2-167129001-C-T.
Other names: c.3226G>A, p.Val1076Met (NM_002977.4); short protein forms V1076M, V1087M.
Identifiers: ClinVar variation 1424639 (VCV001424639.9), dbSNP rs1697038459, ClinGen allele CA349072813.

ClinVar aggregate classification (germline): Uncertain significance (1 of 4 stars; one submission).

Conditions:
Generalized epilepsy with febrile seizures plus, type 7 (GEFSP7). Also called: GEFS+, TYPE 7. Identifiers: Orphanet 36387, MedGen C2751778, MONDO:0013470, OMIM 613863.
Neuropathy, hereditary sensory and autonomic, type 2A (HSAN2A). Also called: ACROOSTEOLYSIS, GIACCAI TYPE; ACROOSTEOLYSIS, NEUROGENIC; HSAN IIA; WNK1-Related HSAN2 (HSAN2A); NEUROPATHY, CONGENITAL SENSORY; NEUROPATHY, HEREDITARY SENSORY RADICULAR, AUTOSOMAL RECESSIVE. Identifiers: Orphanet 970, MedGen C2752089, MONDO:0024309, OMIM 201300.

Allele frequency attached by ClinVar (database versions not stated): TOPMed below 0.00001.

Submission:

Labcorp Genetics (formerly Invitae), Labcorp
Classification: Uncertain significance for Neuropathy, hereditary sensory and autonomic, type 2A; Generalized epilepsy with febrile seizures plus, type 7. Last evaluated: 2025-03-16. Review status: criteria provided, single submitter. Criteria: Invitae Variant Classification Sherloc (09022015). Collection method: clinical testing. Allele origin: germline.
Comment: This sequence change replaces valine, which is neutral and non-polar, with methionine, which is neutral and non-polar, at codon 1076 of the SCN9A protein (p.Val1076Met). This variant is not present in population databases (gnomAD no frequency). This variant has not been reported in the literature in individuals affected with SCN9A-related conditions. ClinVar contains an entry for this variant (Variation ID: 1424639). Invitae Evidence Modeling of protein sequence and biophysical properties (such as structural, functional, and spatial information, amino acid conservation, physicochemical variation, residue mobility, and thermodynamic stability) indicates that this missense variant is not expected to disrupt SCN9A protein function with a negative predictive value of 95%. In summary, the available evidence is currently insufficient to determine the role of this variant in disease. Therefore, it has been classified as a Variant of Uncertain Significance.